The following is an entry in ClinVar:

ClinVar aggregate classification (germline): Conflicting classifications of pathogenicity. Review status: criteria provided, conflicting classifications (1 of 4 stars). 8 submissions from 8 submitters: Uncertain significance (1); Benign (3); Likely benign (4). Last evaluated 2026-01-28.

Conditions:
Inborn genetic diseases. Identifiers: MedGen C0950123, MeSH D030342.
Collagen 6-related myopathy. Identifiers: MedGen CN117976, MONDO:0100225.
Bethlem myopathy 1A. Also called: MYOPATHY, BENIGN CONGENITAL, WITH CONTRACTURES; Bethlem myopathy 1; Bethlem Muscular Dystrophy. Identifiers: Orphanet 610, MedGen CN029274, MONDO:0024530, OMIM 158810.

Allele frequency attached by ClinVar (database versions not stated): gnomAD exomes 0.00076 and 0.00032; gnomAD 0.00265 and 0.00251; ExAC 0.00089; 1000 Genomes Project 0.00280; ESP Exome Variant Server 0.00238; TOPMed 0.00271; 1000 Genomes Project 30x 0.00297.
gnomAD v4.1: 863 of 1,614,036 alleles (0.053%); highest among the groups gnomAD compares: African/African-American, 0.86%; 3 homozygotes.

Submissions (8):

Labcorp Genetics (formerly Invitae), Labcorp
Classification: Benign for Bethlem myopathy 1A. Last evaluated: 2026-01-28. Review status: criteria provided, single submitter. Criteria: Invitae Variant Classification Sherloc (09022015). Collection method: clinical testing. Allele origin: germline.

Ambry Genetics
Classification: Uncertain significance for Inborn genetic diseases. Last evaluated: 2025-04-14. Review status: criteria provided, single submitter. Criteria: Ambry Variant Classification Scheme 2023. Collection method: clinical testing. Allele origin: germline.

Blueprint Genetics
Classification: Likely benign. Last evaluated: 2024-11-20. Review status: criteria provided, single submitter. Criteria: ACMG Guidelines, 2015. Collection method: clinical testing. Allele origin: germline.

GeneDx
Classification: Likely benign. Last evaluated: 2020-08-19. Review status: criteria provided, single submitter. Criteria: GeneDx Variant Classification Process June 2021. Collection method: clinical testing. Allele origin: germline. Affected: yes.
Comment: This variant is associated with the following publications: (PMID: 24332716)

Illumina Laboratory Services, Illumina
Classification: Likely benign for Collagen VI-related myopathy. Last evaluated: 2017-04-27. Review status: criteria provided, single submitter. Criteria: ICSL Variant Classification Criteria 13 December 2019. Collection method: clinical testing. Allele origin: germline.
Comment: This variant was observed as part of a predisposition screen in an ostensibly healthy population. A literature search was performed for the gene, cDNA change, and amino acid change (where applicable). No publications were found based on this search. Allele frequency data from public databases allowed determination this variant is unlikely to cause disease. Therefore, this variant is classified as likely benign.

Eurofins Ntd Llc (ga)
Classification: Benign. Last evaluated: 2012-11-05. Review status: criteria provided, single submitter. Criteria: EGL Classification Definitions 2015. Collection method: clinical testing. Allele origin: germline. Observed: 2 variant alleles, 2 heterozygotes.

Breakthrough Genomics
Classification: Likely benign. Review status: criteria provided, single submitter. Criteria: ACMG Guidelines, 2015. Collection method: not provided. Allele origin: germline. Inheritance: Autosomal recessive inheritance. Affected: yes.

PreventionGenetics, part of Exact Sciences
Classification: Benign. Review status: criteria provided, single submitter. Criteria: ACMG Guidelines, 2015. Collection method: clinical testing. Allele origin: germline.

NM_004369.4(COL6A3):c.730A>G (p.Ile244Val)

Gene: COL6A3 (collagen type VI alpha 3 chain; minus strand). Cytogenetic location: 2q37.3.
Variant type: single nucleotide variant.
Coding change: c.730A>G on transcript NM_004369.4 (MANE Select); coding-DNA position 730, A replaced by G.
Protein change: p.Ile244Val; replaces isoleucine 244 with valine.
Molecular consequence: missense variant. On other transcripts: intron variant (2).
Genome position (GRCh38, 1-based): chr2:237,388,164, T>C on the plus strand (A>G on the coding strand, the complement: COL6A3 is on the minus strand). VCF-style: chr2-237388164-T-C. GRCh37 (hg19) VCF-style: chr2-238296807-T-C.
Other names: c.112A>G, p.Ile38Val (NM_057165.5, NM_057167.4); c.92-6665A>G (NM_057166.5, NM_057164.5); short protein forms I38V.
Identifiers: ClinVar variation 94984 (VCV000094984.25), dbSNP rs116729313, ClinGen allele CA148021.